The following is an entry in ClinVar:

NM_001079802.2(FKTN):c.-45G>T

Gene: FKTN (fukutin; plus strand). Cytogenetic location: 9q31.2.
Variant type: single nucleotide variant.
Coding change: c.-45G>T on transcript NM_001079802.2 (MANE Select); 45 bases upstream of the start codon, G replaced by T.
Molecular consequence: 5 prime UTR variant. On other transcripts: non-coding transcript variant (2).
Genome position (GRCh38, 1-based): chr9:105,574,988, G>T. VCF-style: chr9-105574988-G-T. GRCh37 (hg19) VCF-style: chr9-108337269-G-T.
Other names: c.-45G>T (NM_001198963.2, NM_001351496.2, NM_001351498.2 and 1 more transcripts); c.-212G>T (NM_001351497.2); c.-559G>T (NM_001351499.2, NM_001351500.2, NM_001351501.2 and 1 more transcripts).
Identifiers: ClinVar variation 93509 (VCV000093509.13), dbSNP rs77013649, ClinGen allele CA147016.

ClinVar aggregate classification (germline): Benign/Likely benign. Review status: criteria provided, multiple submitters, no conflicts (2 of 4 stars). 9 submissions from 5 submitters: Benign (7); Likely benign (2). Last evaluated 2021-08-10.

Conditions:
Muscular dystrophy-dystroglycanopathy (congenital with brain and eye anomalies), type A, 4 (MDDGA4). Also called: Fukuyama congenital muscular dystrophy; Walker-Warburg Syndrome, Fktn-Related; WALKER-WARBURG SYNDROME OR MUSCLE-EYE-BRAIN DISEASE, FKTN-RELATED; Muscular dystrophy, congenital progressive, with mental retardation; Muscular dystrophy, congenital, with central nervous system involvement; Cerebromuscular dystrophy, Fukuyama type. Identifiers: Orphanet 272, Orphanet 588, Orphanet 899, MedGen C0410174, MONDO:0009678, OMIM 253800.
Autosomal recessive limb-girdle muscular dystrophy type 2M. Also called: MUSCULAR DYSTROPHY, LIMB-GIRDLE, TYPE 2M; MUSCULAR DYSTROPHY-DYSTROGLYCANOPATHY (LIMB-GIRDLE), TYPE C, 4. Identifiers: Orphanet 206554, MedGen C1969040, MONDO:0012699, OMIM 611588.
Muscular dystrophy-dystroglycanopathy (congenital without impaired intellectual development), type B, 4. Also called: Muscular dystrophy-dystroglycanopathy (congenital without intellectual disability), type B4; MUSCULAR DYSTROPHY, CONGENITAL, FKTN-RELATED. Identifiers: MedGen C2751052, MONDO:0013156, OMIM 613152.
Dilated cardiomyopathy 1X (CMD1X). Also called: FKTN-Related Dilated Cardiomyopathy; CARDIOMYOPATHY, DILATED, WITH MILD OR NO PROXIMAL MUSCLE WEAKNESS. Identifiers: Orphanet 154, MedGen C1969024, MONDO:0012704, OMIM 611615.

Allele frequency attached by ClinVar (database versions not stated): ExAC 0.00561; 1000 Genomes Project 0.01737; 1000 Genomes Project 30x 0.01936; TOPMed 0.02067; ESP Exome Variant Server 0.02122.
gnomAD v4.1: 4,528 of 1,013,936 alleles (0.45%); highest among the groups gnomAD compares: African/African-American, 6.4%; 137 homozygotes.

Submissions (9):

Genome-Nilou Lab
Classification: Benign for Dilated cardiomyopathy 1X. Last evaluated: 2021-08-10. Review status: criteria provided, single submitter. Criteria: ACMG Guidelines, 2015. Collection method: clinical testing. Allele origin: germline. Affected: no.

Genome-Nilou Lab
Classification: Benign for Muscular dystrophy-dystroglycanopathy (congenital with brain and eye anomalies), type A, 4. Last evaluated: 2021-08-10. Review status: criteria provided, single submitter. Criteria: ACMG Guidelines, 2015. Collection method: clinical testing. Allele origin: germline. Affected: no.

Genome-Nilou Lab
Classification: Benign for Muscular dystrophy-dystroglycanopathy (congenital without impaired intellectual development), type B, 4. Last evaluated: 2021-08-10. Review status: criteria provided, single submitter. Criteria: ACMG Guidelines, 2015. Collection method: clinical testing. Allele origin: germline. Affected: no.

Genome-Nilou Lab
Classification: Benign for Autosomal recessive limb-girdle muscular dystrophy type 2M. Last evaluated: 2021-08-10. Review status: criteria provided, single submitter. Criteria: ACMG Guidelines, 2015. Collection method: clinical testing. Allele origin: germline. Affected: no.

Illumina Laboratory Services, Illumina
Classification: Benign for Muscular dystrophy-dystroglycanopathy (congenital with brain and eye anomalies), type A, 4. Last evaluated: 2017-04-27. Review status: criteria provided, single submitter. Criteria: ICSL Variant Classification Criteria 13 December 2019. Collection method: clinical testing. Allele origin: germline.
Comment: This variant was observed as part of a predisposition screen in an ostensibly healthy population. A literature search was performed for the gene, cDNA change, and amino acid change (where applicable). No publications were found based on this search. Allele frequency data from public databases was too high to be consistent with this variant causing disease. Therefore, this variant is classified as benign.

Illumina Laboratory Services, Illumina
Classification: Likely benign for Dilated cardiomyopathy 1X. Last evaluated: 2017-04-27. Review status: criteria provided, single submitter. Criteria: ICSL Variant Classification Criteria 13 December 2019. Collection method: clinical testing. Allele origin: germline.
Comment: This variant was observed as part of a predisposition screen in an ostensibly healthy population. A literature search was performed for the gene, cDNA change, and amino acid change (where applicable). No publications were found based on this search. Allele frequency data from public databases allowed determination this variant is unlikely to cause disease. Therefore, this variant is classified as likely benign.

GeneDx
Classification: Benign. Last evaluated: 2015-03-03. Review status: criteria provided, single submitter. Criteria: GeneDx Variant Classification Process June 2021. Collection method: clinical testing. Allele origin: germline. Affected: yes.

Eurofins Ntd Llc (ga)
Classification: Benign. Last evaluated: 2012-12-06. Review status: criteria provided, single submitter. Criteria: EGL Classification Definitions 2015. Collection method: clinical testing. Allele origin: germline. Observed: 3 variant alleles, 3 heterozygotes.

Breakthrough Genomics
Classification: Likely benign. Review status: criteria provided, single submitter. Criteria: ACMG Guidelines, 2015. Collection method: not provided. Allele origin: germline. Inheritance: Autosomal recessive inheritance. Affected: yes.